The following is an entry in ClinVar:

NM_003901.4(SGPL1):c.924C>A (p.Tyr308Ter)

Gene: SGPL1 (sphingosine-1-phosphate lyase 1; plus strand). Cytogenetic location: 10q22.1.
Variant type: single nucleotide variant.
Coding change: c.924C>A on transcript NM_003901.4 (MANE Select); coding-DNA position 924, C replaced by A.
Protein change: p.Tyr308Ter; replaces tyrosine 308 with a stop codon.
Molecular consequence: nonsense. On other transcripts: non-coding transcript variant (1).
Genome position (GRCh38, 1-based): chr10:70,871,851, C>A. VCF-style: chr10-70871851-C-A. GRCh37 (hg19) VCF-style: chr10-72631608-C-A.
Other names: c.684C>A, p.Tyr228Ter (NM_001437828.1); c.957C>A, p.Tyr319Ter (NM_001438353.1); c.924C>A, p.Tyr308Ter (NM_001438354.1, NM_001438355.1, NM_001438356.1 and 1 more transcripts); short protein forms Y228*, Y308*, Y319*.
Identifiers: ClinVar variation 4809576 (VCV004809576.1).

ClinVar aggregate classification (germline): Pathogenic (1 of 4 stars; one submission).

Submission:

Labcorp Genetics (formerly Invitae), Labcorp
Classification: Pathogenic. Last evaluated: 2025-03-17. Review status: criteria provided, single submitter. Criteria: Invitae Variant Classification Sherloc (09022015). Collection method: clinical testing. Allele origin: germline.
Comment: This sequence change creates a premature translational stop signal (p.Tyr308*) in the SGPL1 gene. It is expected to result in an absent or disrupted protein product. Loss-of-function variants in SGPL1 are known to be pathogenic (PMID: 28165339, 28165343). This variant is not present in population databases (gnomAD no frequency). This variant has not been reported in the literature in individuals affected with SGPL1-related conditions. For these reasons, this variant has been classified as Pathogenic.

Literature cited by the submitters: PubMed 28165339; PubMed 28165343.